The following is an entry in ClinVar:

ClinVar aggregate classification (germline): Uncertain significance. Review status: criteria provided, multiple submitters, no conflicts (2 of 4 stars). 2 submissions from 2 submitters: Uncertain significance (2). Last evaluated 2025-03-22.

Conditions:
Epilepsy, childhood absence, susceptibility to, 1. Also called: Epilepsy, childhood absence 1. Identifiers: Orphanet 64280, MedGen C1838604, MONDO:0020759, OMIM 600131.
Epilepsy, childhood absence, susceptibility to, 5. Identifiers: Orphanet 64280, MedGen C2677087, MONDO:0012843, OMIM 612269.
Inborn genetic diseases. Identifiers: MedGen C0950123, MeSH D030342.

Allele frequency attached by ClinVar (database versions not stated): gnomAD exomes 0.00001.
gnomAD v4.1: 9 of 1,614,216 alleles (0.00056%); highest among the groups gnomAD compares: Non-Finnish European, 0.00076%; no homozygotes.

Submissions (2):

Ambry Genetics
Classification: Uncertain significance for Inborn genetic diseases. Last evaluated: 2025-03-22. Review status: criteria provided, single submitter. Criteria: Ambry Variant Classification Scheme 2023. Collection method: clinical testing. Allele origin: germline.

Labcorp Genetics (formerly Invitae), Labcorp
Classification: Uncertain significance for Epilepsy, childhood absence, susceptibility to, 5; Epilepsy, childhood absence, susceptibility to, 1. Last evaluated: 2024-09-25. Review status: criteria provided, single submitter. Criteria: Invitae Variant Classification Sherloc (09022015). Collection method: clinical testing. Allele origin: germline.
Comment: This sequence change replaces lysine, which is basic and polar, with asparagine, which is neutral and polar, at codon 341 of the GABRB3 protein (p.Lys341Asn). This variant is not present in population databases (gnomAD no frequency). This variant has not been reported in the literature in individuals affected with GABRB3-related conditions. Invitae Evidence Modeling of protein sequence and biophysical properties (such as structural, functional, and spatial information, amino acid conservation, physicochemical variation, residue mobility, and thermodynamic stability) has been performed for this missense variant. However, the output from this modeling did not meet the statistical confidence thresholds required to predict the impact of this variant on GABRB3 protein function. In summary, the available evidence is currently insufficient to determine the role of this variant in disease. Therefore, it has been classified as a Variant of Uncertain Significance.

NM_000814.6(GABRB3):c.1023G>T (p.Lys341Asn)

Gene: GABRB3 (gamma-aminobutyric acid type A receptor subunit beta3; minus strand). Cytogenetic location: 15q12.
Variant type: single nucleotide variant.
Coding change: c.1023G>T on transcript NM_000814.6 (MANE Select); coding-DNA position 1023, G replaced by T.
Protein change: p.Lys341Asn; replaces lysine 341 with asparagine.
Molecular consequence: missense variant.
Genome position (GRCh38, 1-based): chr15:26,560,989, C>A on the plus strand (G>T on the coding strand, the complement: GABRB3 is on the minus strand). VCF-style: chr15-26560989-C-A. GRCh37 (hg19) VCF-style: chr15-26806136-C-A.
Other names: c.1023G>T (NM_000814.5); c.768G>T, p.Lys256Asn (NM_001191320.2, NM_001278631.2); c.810G>T, p.Lys270Asn (NM_001191321.3); c.1023G>T, p.Lys341Asn (NM_021912.5); short protein forms K341N, K270N, K256N.
Identifiers: ClinVar variation 2922512 (VCV002922512.4), dbSNP rs2504153062, ClinGen allele CA391461328.